The following is an entry in ClinVar:

ClinVar aggregate classification (germline): Uncertain significance (1 of 4 stars; one submission).

Conditions:
Amyloidosis, hereditary systemic 1 (AMYLD1). Also called: Familial amyloid polyneuropathy; Hereditary Transthyretin Amyloidosis; Transthyretin Amyloidosis; Isolated Cardiac Amyloidosis; Amyloid Cardiomyopathy, Transthyretin-related; Hereditary oculoleptomeningeal amyloid angiopathy. Identifiers: Orphanet 85447, Orphanet 85451, MedGen C2751492, MONDO:0971004, OMIM 105210.

Submission:

Labcorp Genetics (formerly Invitae), Labcorp
Classification: Uncertain significance for Amyloidosis, hereditary systemic 1. Last evaluated: 2024-06-17. Review status: criteria provided, single submitter. Criteria: Invitae Variant Classification Sherloc (09022015). Collection method: clinical testing. Allele origin: germline.
Comment: This sequence change creates a premature translational stop signal (p.Tyr136*) in the TTR gene. While this is not anticipated to result in nonsense mediated decay, it is expected to disrupt the last 12 amino acid(s) of the TTR protein. This variant is not present in population databases (gnomAD no frequency). This variant has not been reported in the literature in individuals affected with TTR-related conditions. ClinVar contains an entry for this variant (Variation ID: 2002179). In summary, the available evidence is currently insufficient to determine the role of this variant in disease. Therefore, it has been classified as a Variant of Uncertain Significance.

NM_000371.4(TTR):c.408T>G (p.Tyr136Ter)

Gene: TTR (transthyretin; plus strand). Cytogenetic location: 18q12.1.
Variant type: single nucleotide variant.
Coding change: c.408T>G on transcript NM_000371.4 (MANE Select); coding-DNA position 408, T replaced by G.
Protein change: p.Tyr136Ter; replaces tyrosine 136 with a stop codon.
Molecular consequence: nonsense.
Genome position (GRCh38, 1-based): chr18:31,598,639, T>G. VCF-style: chr18-31598639-T-G. GRCh37 (hg19) VCF-style: chr18-29178602-T-G.
Other names: short protein forms Y136*.
Identifiers: ClinVar variation 2002179 (VCV002002179.4), dbSNP rs1454790119, ClinGen allele CA402158250.